The following is an entry in ClinVar:

NM_012282.4(KCNE5):c.392G>T (p.Gly131Val)

Gene: KCNE5 (potassium voltage-gated channel subfamily E regulatory subunit 5; minus strand). Cytogenetic location: Xq23.
Variant type: single nucleotide variant.
Coding change: c.392G>T on transcript NM_012282.4 (MANE Select); coding-DNA position 392, G replaced by T.
Protein change: p.Gly131Val; replaces glycine 131 with valine.
Molecular consequence: missense variant.
Genome position (GRCh38, 1-based): chrX:109,624,629, C>A on the plus strand (G>T on the coding strand, the complement: KCNE5 is on the minus strand). VCF-style: chrX-109624629-C-A. GRCh37 (hg19) VCF-style: chrX-108867858-C-A.
Other names: short protein forms G131V.
Identifiers: ClinVar variation 4710486 (VCV004710486.1).

ClinVar aggregate classification (germline): Uncertain significance (1 of 4 stars; one submission).

Conditions:
Brugada syndrome. Also called: Sudden unexpected nocturnal death syndrome; Sudden unexplained nocturnal death syndrome; Sudden Unexplained Death Syndrome; Sudden Unexplained Nocturnal Death Syndrome (SUNDS). Identifiers: Orphanet 130, MedGen C1142166, MONDO:0015263.

Submission:

Labcorp Genetics (formerly Invitae), Labcorp
Classification: Uncertain significance for Brugada syndrome. Last evaluated: 2025-12-29. Review status: criteria provided, single submitter. Criteria: Invitae Variant Classification Sherloc (09022015). Collection method: clinical testing. Allele origin: germline.
Comment: This sequence change replaces glycine, which is neutral and non-polar, with valine, which is neutral and non-polar, at codon 131 of the KCNE5 protein (p.Gly131Val). This variant is not present in population databases (gnomAD no frequency). This variant has not been reported in the literature in individuals affected with KCNE5-related conditions. An algorithm developed to predict the effect of missense changes on protein structure and function (PolyPhen-2) suggests that this variant is likely to be tolerated. In summary, the available evidence is currently insufficient to determine the role of this variant in disease. Therefore, it has been classified as a Variant of Uncertain Significance.